The following is an entry in ClinVar:

ClinVar aggregate classification (germline): Conflicting classifications of pathogenicity. Review status: criteria provided, conflicting classifications (1 of 4 stars). 8 submissions from 8 submitters: Uncertain significance (1); Benign (3); Likely benign (4). Last evaluated 2025-12-24.

Conditions:
Tuberous sclerosis 2 (TSC2). Identifiers: Orphanet 805, MedGen C1860707, MONDO:0013199, OMIM 613254.
TSC2-related disorder. Also called: TSC2-related condition; TSC2-Related Disorders.
Hereditary cancer-predisposing syndrome. Also called: Hereditary neoplastic syndrome; Tumor predisposition; Neoplastic Syndromes, Hereditary; Hereditary Cancer Syndrome. Identifiers: Orphanet 140162, MedGen C0027672, MeSH D009386, MONDO:0015356.

Allele frequency attached by ClinVar (database versions not stated): gnomAD 0.00001; ExAC 0.00002; TOPMed 0.00002; gnomAD exomes 0.00003.
gnomAD v4.1: 46 of 1,609,036 alleles (0.0029%); highest among the groups gnomAD compares: South Asian, 0.0099%; no homozygotes.

Submissions (8):

Labcorp Genetics (formerly Invitae), Labcorp
Classification: Benign for Tuberous sclerosis 2. Last evaluated: 2025-12-24. Review status: criteria provided, single submitter. Criteria: Invitae Variant Classification Sherloc (09022015). Collection method: clinical testing. Allele origin: germline.

PreventionGenetics, part of Exact Sciences
Classification: Likely benign for TSC2-related condition. Last evaluated: 2025-09-12. Review status: criteria provided, single submitter. Criteria: ACMG Guidelines, 2015. Collection method: clinical testing. Allele origin: germline.
Comment: This variant is classified as likely benign based on ACMG/AMP sequence variant interpretation guidelines (Richards et al. 2015 PMID: 25741868, with internal and published modifications).

Myriad Genetics, Inc.
Classification: Benign for Tuberous sclerosis 2. Last evaluated: 2025-06-23. Review status: criteria provided, single submitter. Criteria: Myriad Autosomal Dominant, Autosomal Recessive and X-Linked Classification Criteria (2023). Collection method: clinical testing. Allele origin: unknown.
Comment: This variant is considered benign. This variant has been observed at a population frequency that is significantly greater than expected given the associated disease prevalence and penetrance. Homozygosity has been confirmed in one or more individuals. As homozygosity for pathogenic variants in this gene is generally assumed to result in embryonic lethality, this variant is unlikely to be pathogenic.

KCCC/NGS Laboratory, Kuwait Cancer Control Center
Classification: Benign for Tuberous sclerosis 2. Last evaluated: 2023-07-07. Review status: criteria provided, single submitter. Criteria: ACMG Guidelines, 2015. Collection method: clinical testing. Allele origin: germline. Affected: yes.

Ambry Genetics
Classification: Likely benign for Hereditary cancer-predisposing syndrome. Last evaluated: 2022-05-05. Review status: criteria provided, single submitter. Criteria: Ambry Variant Classification Scheme 2023. Collection method: clinical testing. Allele origin: germline.

Genome-Nilou Lab
Classification: Likely benign for Tuberous sclerosis 2. Last evaluated: 2021-11-07. Review status: criteria provided, single submitter. Criteria: ACMG Guidelines, 2015. Collection method: clinical testing. Allele origin: germline. Affected: no.

CeGaT Center for Human Genetics Tuebingen
Classification: Uncertain significance. Last evaluated: 2021-06-01. Review status: criteria provided, single submitter. Criteria: CeGaT Center For Human Genetics Tuebingen Variant Classification Criteria Version 2. Collection method: clinical testing. Allele origin: germline. Affected: yes. Observed: 1 variant allele.

GeneDx
Classification: Likely benign. Last evaluated: 2020-11-11. Review status: criteria provided, single submitter. Criteria: GeneDx Variant Classification Process June 2021. Collection method: clinical testing. Allele origin: germline. Affected: yes.
Comment: This variant is associated with the following publications: (PMID: 28250423, 23514105, 21624971)

Literature cited by the submitters: PubMed 21624971 (cited by Ambry Genetics); PubMed 23514105 (cited by Ambry Genetics); PubMed 25401301 (cited by Ambry Genetics).

NM_000548.5(TSC2):c.4273G>A (p.Gly1425Arg)

Gene: TSC2 (TSC complex subunit 2; plus strand). Cytogenetic location: 16p13.3.
Variant type: single nucleotide variant.
Coding change: c.4273G>A on transcript NM_000548.5 (MANE Select); coding-DNA position 4273, G replaced by A.
Protein change: p.Gly1425Arg; replaces glycine 1425 with arginine.
Molecular consequence: missense variant.
Genome position (GRCh38, 1-based): chr16:2,084,495, G>A. VCF-style: chr16-2084495-G-A. GRCh37 (hg19) VCF-style: chr16-2134496-G-A.
Other names: c.4273G>A (NM_000548.4); c.4072G>A, p.Gly1358Arg (NM_001077183.3); c.4204G>A, p.Gly1402Arg (NM_001114382.3); c.3964G>A, p.Gly1322Arg (NM_001318827.2); c.3928G>A, p.Gly1310Arg (NM_001318829.2); c.3541G>A, p.Gly1181Arg (NM_001318831.2); c.4105G>A, p.Gly1369Arg (NM_001318832.2); c.4075G>A, p.Gly1359Arg (NM_001363528.2); and 2 more; short protein forms G1425R, G1322R, G1359R, G1310R, G1358R, G1181R, G1381R, G1402R.
Identifiers: ClinVar variation 468075 (VCV000468075.58), dbSNP rs763497329, ClinGen allele CA050746.
Genomic context (GRCh38, chr16:2,084,495, plus strand): 5'-GCCGACGTGGGCCGGCTGAGCCCTGAGGTTAAGGCCCGGTCACAGTCAGGGACCCTGGAC[G>A]GGGAAAGTGCTGCCTGGTCGGCCTCGGGCGAAGACAGTCGGGGCCAGCCCGAGGGTCCCT-3'
Protein context (NP_000539.2, residues 1415-1435): KARSQSGTLD[Gly1425Arg]ESAAWSASGE